The following is an entry in ClinVar:

ClinVar aggregate classification (germline): Uncertain significance (1 of 4 stars; one submission).

Allele frequency attached by ClinVar (database versions not stated): ExAC 0.00001; gnomAD 0.00001.

Submission:

Labcorp Genetics (formerly Invitae), Labcorp
Classification: Uncertain significance. Last evaluated: 2022-05-03. Review status: criteria provided, single submitter. Criteria: Invitae Variant Classification Sherloc (09022015). Collection method: clinical testing. Allele origin: germline.
Comment: In summary, the available evidence is currently insufficient to determine the role of this variant in disease. Therefore, it has been classified as a Variant of Uncertain Significance. Algorithms developed to predict the effect of missense changes on protein structure and function are either unavailable or do not agree on the potential impact of this missense change (SIFT: "Deleterious"; PolyPhen-2: "Possibly Damaging"; Align-GVGD: "Class C0"). This variant has not been reported in the literature in individuals affected with BACH2-related conditions. This variant is present in population databases (rs751278336, gnomAD 0.006%). This sequence change replaces threonine, which is neutral and polar, with methionine, which is neutral and non-polar, at codon 348 of the BACH2 protein (p.Thr348Met).

NM_021813.4(BACH2):c.1043C>T (p.Thr348Met)

Gene: BACH2 (BACH transcriptional regulator 2; minus strand). Cytogenetic location: 6q15.
Variant type: single nucleotide variant.
Coding change: c.1043C>T on transcript NM_021813.4 (MANE Select); coding-DNA position 1043, C replaced by T.
Protein change: p.Thr348Met; replaces threonine 348 with methionine.
Molecular consequence: missense variant.
Genome position (GRCh38, 1-based): chr6:89,951,063, G>A on the plus strand (C>T on the coding strand, the complement: BACH2 is on the minus strand). VCF-style: chr6-89951063-G-A. GRCh37 (hg19) VCF-style: chr6-90660782-G-A.
Other names: c.1043C>T, p.Thr348Met (NM_001170794.2); short protein forms T348M.
Identifiers: ClinVar variation 2192145 (VCV002192145.4), dbSNP rs751278336, ClinGen allele CA3928057.